The following is an entry in ClinVar:

ClinVar aggregate classification (germline): Uncertain significance (1 of 4 stars; one submission).

Submission:

GeneDx
Classification: Uncertain significance. Last evaluated: 2021-03-30. Review status: criteria provided, single submitter. Criteria: GeneDx Variant Classification Process June 2021. Collection method: clinical testing. Allele origin: germline. Affected: yes.
Comment: Not observed in large population cohorts (Lek et al., 2016); In silico analysis supports that this missense variant has a deleterious effect on protein structure/function; Has not been previously published as pathogenic or benign to our knowledge

NM_021830.5(TWNK):c.869T>C (p.Leu290Ser)

Gene: TWNK (twinkle mtDNA helicase; plus strand). Cytogenetic location: 10q24.31.
Variant type: single nucleotide variant.
Coding change: c.869T>C on transcript NM_021830.5 (MANE Select); coding-DNA position 869, T replaced by C.
Protein change: p.Leu290Ser; replaces leucine 290 with serine.
Molecular consequence: missense variant. On other transcripts: non-coding transcript variant (4), intron variant (3).
Genome position (GRCh38, 1-based): chr10:100,989,079, T>C. VCF-style: chr10-100989079-T-C. GRCh37 (hg19) VCF-style: chr10-102748836-T-C.
Other names: c.869T>C, p.Leu290Ser (NM_001163812.2); c.-119-565T>C (NM_001163814.2, NM_001163813.2); c.-57-627T>C (NM_001368275.1); short protein forms L290S.
Identifiers: ClinVar variation 1303931 (VCV001303931.2), dbSNP rs2133937397, ClinGen allele CA378208734.